The following is an entry in ClinVar:

NM_000548.5(TSC2):c.914G>T (p.Gly305Val)

Gene: TSC2 (TSC complex subunit 2; plus strand). Cytogenetic location: 16p13.3.
Variant type: single nucleotide variant.
Coding change: c.914G>T on transcript NM_000548.5 (MANE Select); coding-DNA position 914, G replaced by T.
Protein change: p.Gly305Val; replaces glycine 305 with valine.
Molecular consequence: missense variant.
Genome position (GRCh38, 1-based): chr16:2,058,812, G>T. VCF-style: chr16-2058812-G-T. GRCh37 (hg19) VCF-style: chr16-2108813-G-T.
Other names: c.914G>T, p.Gly305Val (NM_001077183.3, NM_001114382.3, NM_001363528.2 and 3 more transcripts); c.803G>T, p.Gly268Val (NM_001318827.2); c.767G>T, p.Gly256Val (NM_001318829.2); c.314G>T, p.Gly105Val (NM_001318831.2); c.947G>T, p.Gly316Val (NM_001318832.2); short protein forms G105V, G316V, G256V, G268V, G305V.
Identifiers: ClinVar variation 1372234 (VCV001372234.6), dbSNP rs770137362, ClinGen allele CA394315350.
Genomic context (GRCh38, chr16:2,058,812, plus strand): 5'-ACATGGAGGACGCGCCCCTGCTGAGAGGAGCCGTGTTTTTTGTGGGCATGGCTCTCTGGG[G>T]AGCCCACCGGCTCTATTCTCTCAGGAACTCGCCGACATCTGTGTTGCCATCATTTTACCA-3'
Protein context (NP_000539.2, residues 295-315): AVFFVGMALW[Gly305Val]AHRLYSLRNS

ClinVar aggregate classification (germline): Uncertain significance (1 of 4 stars; one submission).

Conditions:
Tuberous sclerosis 2 (TSC2). Identifiers: Orphanet 805, MedGen C1860707, MONDO:0013199, OMIM 613254.

Submission:

Labcorp Genetics (formerly Invitae), Labcorp
Classification: Uncertain significance for Tuberous sclerosis 2. Last evaluated: 2021-08-03. Review status: criteria provided, single submitter. Criteria: Invitae Variant Classification Sherloc (09022015). Collection method: clinical testing. Allele origin: germline.
Comment: In summary, the available evidence is currently insufficient to determine the role of this variant in disease. Therefore, it has been classified as a Variant of Uncertain Significance. Algorithms developed to predict the effect of missense changes on protein structure and function (SIFT, PolyPhen-2, Align-GVGD) all suggest that this variant is likely to be disruptive. This variant has not been reported in the literature in individuals affected with TSC2-related conditions. This variant is not present in population databases (ExAC no frequency). This sequence change replaces glycine with valine at codon 305 of the TSC2 protein (p.Gly305Val). The glycine residue is highly conserved and there is a moderate physicochemical difference between glycine and valine.